The following is an entry in ClinVar:

NM_002234.4(KCNA5):c.164G>A (p.Gly55Asp)

Gene: KCNA5 (potassium voltage-gated channel subfamily A member 5; plus strand). Cytogenetic location: 12p13.32.
Variant type: single nucleotide variant.
Coding change: c.164G>A on transcript NM_002234.4 (MANE Select); coding-DNA position 164, G replaced by A.
Protein change: p.Gly55Asp; replaces glycine 55 with aspartic acid.
Molecular consequence: missense variant.
Genome position (GRCh38, 1-based): chr12:5,044,311, G>A. VCF-style: chr12-5044311-G-A. GRCh37 (hg19) VCF-style: chr12-5153477-G-A.
Other names: short protein forms G55D.
Identifiers: ClinVar variation 4759878 (VCV004759878.1).
Genomic context (GRCh38, chr12:5,044,311, plus strand): 5'-AGTGTCCCCCGACGGCTGGGCTCAGCGATGGGCCCAAGGAGCCGGCGCCAAAGGGGCGCG[G>A]CGCGCAGAGAGACGCGGACTCGGGAGTGCGGCCCTTGCCTCCGCTGCCGGACCCGGGAGT-3'
Protein context (NP_002225.2, residues 45-65): GPKEPAPKGR[Gly55Asp]AQRDADSGVR

ClinVar aggregate classification (germline): Uncertain significance (1 of 4 stars; one submission).

Conditions:
Atrial fibrillation, familial, 7 (ATFB7). Identifiers: MedGen C2677106, MONDO:0012828, OMIM 612240.

gnomAD v4.1: 2 of 1,549,858 alleles (0.00013%); highest among the groups gnomAD compares: African/African-American, 0.0027%; no homozygotes.

Submission:

Labcorp Genetics (formerly Invitae), Labcorp
Classification: Uncertain significance for Atrial fibrillation, familial, 7. Last evaluated: 2025-09-25. Review status: criteria provided, single submitter. Criteria: Invitae Variant Classification Sherloc (09022015). Collection method: clinical testing. Allele origin: germline.
Comment: This sequence change replaces glycine, which is neutral and non-polar, with aspartic acid, which is acidic and polar, at codon 55 of the KCNA5 protein (p.Gly55Asp). This variant is not present in population databases (gnomAD no frequency). This variant has not been reported in the literature in individuals affected with KCNA5-related conditions. An algorithm developed to predict the effect of missense changes on protein structure and function outputs the following: PolyPhen-2: "Benign". The aspartic acid amino acid residue is found in multiple mammalian species, which suggests that this missense change does not adversely affect protein function. In summary, the available evidence is currently insufficient to determine the role of this variant in disease. Therefore, it has been classified as a Variant of Uncertain Significance.